The following is an entry in ClinVar:

ClinVar aggregate classification (germline): Benign. Review status: criteria provided, multiple submitters, no conflicts (2 of 4 stars). 7 submissions from 6 submitters: Benign (6). 1 of the submissions does not count toward it. Last evaluated 2021-07-22.

Conditions:
CHARGE syndrome (CHARGE). Also called: CHARGE ASSOCIATION--COLOBOMA, HEART ANOMALY, CHOANAL ATRESIA, RETARDATION, GENITAL AND EAR ANOMALIES; Hittner Hirsch Kreh syndrome; Coloboma, heart anomaly, choanal atresia, retardation, genital and ear anomalies; CHARGE association; Hall-Hittner syndrome. Identifiers: Orphanet 138, MedGen C0265354, MONDO:0008965.
Hypogonadotropic hypogonadism 5 with or without anosmia (KAL5). Also called: HYPOGONADOTROPIC HYPOGONADISM 5 WITH ANOSMIA; HYPOGONADOTROPHIC HYPOGONADISM 5 WITHOUT ANOSMIA; CHD7-Related GnRH Deficiency (Kallmann Syndrome 5). Identifiers: Orphanet 478, MedGen C3552553, MONDO:0012880, OMIM 612370. Disease mechanism: loss of function.

Allele frequency attached by ClinVar (database versions not stated): gnomAD exomes 0.80871 and 0.77364; ExAC 0.81191; 1000 Genomes Project 30x 0.82136; 1000 Genomes Project 0.82708; TOPMed 0.76445; gnomAD 0.76770 and 0.77459; ESP Exome Variant Server 0.76248.
gnomAD v4.1: 1,211,657 of 1,565,432 alleles (77%); highest among the groups gnomAD compares: East Asian, 95%; 471,415 homozygotes.

Submissions (7):

Genome-Nilou Lab
Classification: Benign for CHD7-related CHARGE syndrome. Last evaluated: 2021-07-22. Review status: criteria provided, single submitter. Criteria: ACMG Guidelines, 2015. Collection method: clinical testing. Allele origin: germline. Affected: no.

Genome-Nilou Lab
Classification: Benign for Hypogonadotropic hypogonadism 5 with or without anosmia. Last evaluated: 2021-07-22. Review status: criteria provided, single submitter. Criteria: ACMG Guidelines, 2015. Collection method: clinical testing. Allele origin: germline. Affected: no.

ARUP Laboratories, Molecular Genetics and Genomics, ARUP Laboratories
Classification: Benign. Last evaluated: 2020-05-03. Review status: criteria provided, single submitter. Criteria: ARUP Molecular Germline Variant Investigation Process. Collection method: clinical testing. Allele origin: germline.

GeneDx
Classification: Benign. Last evaluated: 2015-03-03. Review status: criteria provided, single submitter. Criteria: GeneDx Variant Classification Process June 2021. Collection method: clinical testing. Allele origin: germline. Affected: yes.

Breakthrough Genomics
Classification: Benign. Review status: criteria provided, single submitter. Criteria: ACMG Guidelines, 2015. Collection method: not provided. Allele origin: germline. Inheritance: Autosomal dominant inheritance. Affected: yes.

PreventionGenetics, part of Exact Sciences
Classification: Benign. Review status: criteria provided, single submitter. Criteria: ACMG Guidelines, 2015. Collection method: clinical testing. Allele origin: germline.

Genetic Services Laboratory, University of Chicago
Classification: Likely benign. Review status: no assertion criteria provided. Collection method: clinical testing. Allele origin: germline. Inheritance: Autosomal dominant inheritance. Not counted in ClinVar's aggregate classification.
Comment: Likely benign based on allele frequency in 1000 Genomes Project or ESP global frequency and its presence in a patient with a rare or unrelated disease phenotype. NOT Sanger confirmed

NM_017780.4(CHD7):c.1665+34G>A

Gene: CHD7 (chromodomain helicase DNA binding protein 7; plus strand). Cytogenetic location: 8q12.2.
Variant type: single nucleotide variant.
Coding change: c.1665+34G>A on transcript NM_017780.4 (MANE Select); 34 bases into the intron after coding-DNA position 1665, G replaced by A.
Molecular consequence: intron variant.
Genome position (GRCh38, 1-based): chr8:60,743,131, G>A. VCF-style: chr8-60743131-G-A. GRCh37 (hg19) VCF-style: chr8-61655690-G-A.
Other names: c.1665+34G>A (NM_001316690.1).
Identifiers: ClinVar variation 158324 (VCV000158324.22), dbSNP rs7836586, ClinGen allele CA171773.